The following is an entry in ClinVar:

NM_000257.4(MYH7):c.1352A>C (p.Gln451Pro)

Gene: MYH7 (myosin heavy chain 7; minus strand). Cytogenetic location: 14q11.2.
Variant type: single nucleotide variant.
Coding change: c.1352A>C on transcript NM_000257.4 (MANE Select); coding-DNA position 1352, A replaced by C.
Protein change: p.Gln451Pro; replaces glutamine 451 with proline.
Molecular consequence: missense variant.
Genome position (GRCh38, 1-based): chr14:23,429,010, T>G on the plus strand (A>C on the coding strand, the complement: MYH7 is on the minus strand). VCF-style: chr14-23429010-T-G. GRCh37 (hg19) VCF-style: chr14-23898219-T-G.
Other names: short protein forms Q451P.
Identifiers: ClinVar variation 42837 (VCV000042837.5), dbSNP rs397516100, ClinGen allele CA010610.
Genomic context (GRCh38, chr14:23,429,010, plus strand): 5'-CTCACATCGAAGATCTCGAAGCCAGCGATGTCCAGGACTCCTATGAAGTACTGGCGTGGC[T>G]GCTTGGTCTCCAGGGTGGCATTGATGCGCGTCACCATCCAGTTGAACATCCTCTCATACA-3'
Protein context (NP_000248.2, residues 441-461): TRINATLETK[Gln451Pro]PRQYFIGVLD

ClinVar aggregate classification (germline): Uncertain significance (1 of 4 stars; one submission).

Submission:

Laboratory for Molecular Medicine, Mass General Brigham Personalized Medicine
Classification: Uncertain significance. Last evaluated: 2014-01-19. Review status: criteria provided, single submitter. Criteria: LMM Criteria. Collection method: clinical testing. Allele origin: germline. Observed: 2 variant alleles.
Comment: proposed classification - variant undergoing re-assessment, contact laboratory